The following is an entry in ClinVar:

ClinVar aggregate classification (germline): Likely benign. Review status: reviewed by expert panel (3 of 4 stars). 3 submissions from 3 submitters: Likely benign (1). 2 of the submissions do not count toward it. Last evaluated 2017-06-29.

Conditions:
Hereditary breast ovarian cancer syndrome. Also called: Breast and ovarian cancer; Hereditary breast and ovarian cancer; Hereditary breast and ovarian cancer syndrome; Hereditary breast and/or ovarian cancer syndrome; BRCA1- and BRCA2-Associated Hereditary Breast and Ovarian Cancer; Hereditary breast and ovarian cancer syndrome (HBOC). Identifiers: Orphanet 145, MedGen C0677776, MeSH D061325, MONDO:0003582. Disease mechanism: loss of function.
Breast-ovarian cancer, familial, susceptibility to, 1 (BROVCA1). Also called: BRCA1 Hereditary Breast and Ovarian Cancer; OVARIAN CANCER, SUSCEPTIBILITY TO. Identifiers: Orphanet 145, MedGen C2676676, MONDO:0011450, OMIM 604370. Disease mechanism: loss of function.
Hereditary cancer-predisposing syndrome. Also called: Tumor predisposition; Hereditary Cancer Syndrome; Neoplastic Syndromes, Hereditary; Hereditary neoplastic syndrome. Identifiers: Orphanet 140162, MedGen C0027672, MeSH D009386, MONDO:0015356.

Submissions (3):

Evidence-based Network for the Interpretation of Germline Mutant Alleles (ENIGMA)
Classification: Likely benign for Breast-ovarian cancer, familial, susceptibility to, 1. Last evaluated: 2017-06-29. Review status: reviewed by expert panel. Criteria: ENIGMA BRCA1/2 Classification Criteria (2017-06-29). Collection method: curation. Allele origin: germline.
Comment: Synonymous substitution variant, with low bioinformatic likelihood to result in a splicing aberration (Splicing prior probability 0.02).

Labcorp Genetics (formerly Invitae), Labcorp
Classification: Likely benign for Hereditary breast ovarian cancer syndrome. Last evaluated: 2022-10-07. Review status: criteria provided, single submitter. Criteria: Invitae Variant Classification Sherloc (09022015). Collection method: clinical testing. Allele origin: germline. Not counted in ClinVar's aggregate classification.

Ambry Genetics
Classification: Likely benign for Hereditary cancer-predisposing syndrome. Last evaluated: 2015-04-15. Review status: criteria provided, single submitter. Criteria: Ambry Variant Classification Scheme 2023. Collection method: clinical testing. Allele origin: germline. Not counted in ClinVar's aggregate classification.

NM_007294.4(BRCA1):c.2889T>C (p.Thr963=)

Gene: BRCA1 (BRCA1 DNA repair associated; minus strand). Cytogenetic location: 17q21.31.
Variant type: single nucleotide variant.
Coding change: c.2889T>C on transcript NM_007294.4 (MANE Select); coding-DNA position 2889, T replaced by C.
Protein change: p.Thr963=; no amino-acid change (threonine 963 retained).
Molecular consequence: synonymous variant. On other transcripts: intron variant (137).
Genome position (GRCh38, 1-based): chr17:43,092,642, A>G on the plus strand (T>C on the coding strand, the complement: BRCA1 is on the minus strand). VCF-style: chr17-43092642-A-G. GRCh37 (hg19) VCF-style: chr17-41244659-A-G.
Other names: c.2625T>C, p.Thr875= (NM_001407935.1, NM_001407920.1, NM_001407921.1 and 9 more transcripts); c.2622T>C, p.Thr874= (NM_001407936.1, NM_001407930.1, NM_001407931.1 and 2 more transcripts); c.2766T>C, p.Thr922= (NM_001407937.1, NM_001407938.1, NM_001407939.1 and 19 more transcripts); c.2763T>C, p.Thr921= (NM_001407940.1, NM_001407941.1, NM_001407649.1 and 11 more transcripts); c.2748T>C, p.Thr916= (NM_001407942.1, NM_001407944.1, NM_001407945.1 and 29 more transcripts); c.2745T>C, p.Thr915= (NM_001407943.1, NM_001407964.1, NM_001407740.1 and 20 more transcripts); c.2556T>C, p.Thr852= (NM_001407946.1, NM_001407947.1, NM_001407948.1 and 6 more transcripts); c.2553T>C, p.Thr851= (NM_001407954.1, NM_001407955.1, NM_001407956.1 and 1 more transcripts); and 41 more.
Identifiers: ClinVar variation 231380 (VCV000231380.13), dbSNP rs876659125, ClinGen allele CA10580594.